The following is an entry in ClinVar:

NM_000038.6(APC):c.330C>T (p.Cys110=)

Gene: APC (APC regulator of Wnt signaling pathway; plus strand). Cytogenetic location: 5q22.2.
Variant type: single nucleotide variant.
Coding change: c.330C>T on transcript NM_000038.6 (MANE Select); coding-DNA position 330, C replaced by T.
Protein change: p.Cys110=; no amino-acid change (cysteine 110 retained).
Molecular consequence: synonymous variant. On other transcripts: 5 prime UTR variant (1).
Genome position (GRCh38, 1-based): chr5:112,767,298, C>T. VCF-style: chr5-112767298-C-T. GRCh37 (hg19) VCF-style: chr5-112102995-C-T.
Other names: c.330C>T, p.Cys110= (NM_001127510.3, NM_001354895.2, NM_001354896.2 and 2 more transcripts); c.360C>T, p.Cys120= (NM_001127511.3, NM_001354897.2, NM_001354902.2); c.255C>T, p.Cys85= (NM_001354898.2, NM_001354904.2); c.153C>T, p.Cys51= (NM_001354900.2, NM_001354901.2, NM_001354905.2); c.-706C>T (NM_001354906.2).
Identifiers: ClinVar variation 416749 (VCV000416749.15), dbSNP rs1060504887, ClinGen allele CA16611601.

ClinVar aggregate classification (germline): Conflicting classifications of pathogenicity. Review status: criteria provided, conflicting classifications (1 of 4 stars). 4 submissions from 4 submitters: Uncertain significance (1); Benign (1); Likely benign (2). Last evaluated 2025-06-27.

Conditions:
Hereditary cancer-predisposing syndrome. Also called: Tumor predisposition; Neoplastic Syndromes, Hereditary; Hereditary neoplastic syndrome; Hereditary Cancer Syndrome. Identifiers: Orphanet 140162, MedGen C0027672, MeSH D009386, MONDO:0015356.
Familial adenomatous polyposis 1 (FAP1). Also called: FAMILIAL ADENOMATOUS POLYPOSIS 1, ATTENUATED; POLYPOSIS, ADENOMATOUS INTESTINAL. Identifiers: MedGen C2713442, MONDO:0021056, OMIM 175100. Disease mechanism: loss of function.

Allele frequency attached by ClinVar (database versions not stated): gnomAD exomes below 0.00001.
gnomAD v4.1: 1 of 1,614,110 alleles (0.000062%); highest among the groups gnomAD compares: African/African-American, 0.0013%; no homozygotes.

Submissions (4):

Labcorp Genetics (formerly Invitae), Labcorp
Classification: Likely benign for Familial adenomatous polyposis 1. Last evaluated: 2025-06-27. Review status: criteria provided, single submitter. Criteria: Invitae Variant Classification Sherloc (09022015). Collection method: clinical testing. Allele origin: germline.

Myriad Genetics, Inc.
Classification: Benign for Familial adenomatous polyposis 1. Last evaluated: 2024-02-22. Review status: criteria provided, single submitter. Criteria: Myriad Autosomal Dominant, Autosomal Recessive and X-Linked Classification Criteria (2023). Collection method: clinical testing. Allele origin: unknown.
Comment: This variant is considered benign. This variant is a silent/synonymous amino acid change and it is not expected to impact splicing.

Quest Diagnostics Nichols Institute San Juan Capistrano
Classification: Uncertain significance. Last evaluated: 2024-01-09. Review status: criteria provided, single submitter. Criteria: Quest Diagnostics criteria. Collection method: clinical testing. Allele origin: unknown.
Comment: The APC c.330C>T (p.Cys110=) synonymous variant has not been reported in individuals with APC-related conditions in the published literature. It also has not been reported in large, multi-ethnic general populations (Genome Aggregation Database). Analysis of this variant using software algorithms for the prediction of the effect of nucleotide changes on splicing yielded predictions that this variant does not affect APC mRNA splicing. Based on the available information, we are unable to determine the clinical significance of this variant.

Ambry Genetics
Classification: Likely benign for Hereditary cancer-predisposing syndrome. Last evaluated: 2015-04-07. Review status: criteria provided, single submitter. Criteria: Ambry Variant Classification Scheme 2023. Collection method: clinical testing. Allele origin: germline.